The following is an entry in ClinVar:

ClinVar aggregate classification (germline): Uncertain significance (1 of 4 stars; one submission).

Conditions:
Glutamate formiminotransferase deficiency. Also called: Formiminoglutamic aciduria; Arakawa syndrome 1. Identifiers: Orphanet 51208, MedGen C0268609, MONDO:0009240, OMIM 229100.

Allele frequency attached by ClinVar (database versions not stated): gnomAD exomes 0.00007; ExAC 0.00010.
gnomAD v4.1: 29 of 1,505,360 alleles (0.0019%); highest among the groups gnomAD compares: South Asian, 0.032%; no homozygotes.

Submission:

Labcorp Genetics (formerly Invitae), Labcorp
Classification: Uncertain significance for Glutamate formiminotransferase deficiency. Last evaluated: 2020-12-14. Review status: criteria provided, single submitter. Criteria: Invitae Variant Classification Sherloc (09022015). Collection method: clinical testing. Allele origin: germline.
Comment: Algorithms developed to predict the effect of missense changes on protein structure and function output the following: SIFT: "Tolerated"; PolyPhen-2: "Benign"; Align-GVGD: "Class C0". The arginine amino acid residue is found in multiple mammalian species, suggesting that this missense change does not adversely affect protein function. These predictions have not been confirmed by published functional studies and their clinical significance is uncertain. This sequence change replaces glycine with arginine at codon 330 of the FTCD protein (p.Gly330Arg). The glycine residue is moderately conserved and there is a moderate physicochemical difference between glycine and arginine. The frequency data for this variant in the population databases is considered unreliable, as metrics indicate poor data quality at this position in the ExAC database. This variant has not been reported in the literature in individuals with FTCD-related conditions. Algorithms developed to predict the effect of sequence changes on RNA splicing suggest that this variant may create or strengthen a splice site, but this prediction has not been confirmed by published transcriptional studies. In summary, the available evidence is currently insufficient to determine the role of this variant in disease. Therefore, it has been classified as a Variant of Uncertain Significance.

NM_206965.2(FTCD):c.988G>A (p.Gly330Arg)

Gene: FTCD (formimidoyltransferase cyclodeaminase; minus strand). Cytogenetic location: 21q22.3.
Variant type: single nucleotide variant.
Coding change: c.988G>A on transcript NM_206965.2 (MANE Select); coding-DNA position 988, G replaced by A.
Protein change: p.Gly330Arg; replaces glycine 330 with arginine.
Molecular consequence: missense variant.
Genome position (GRCh38, 1-based): chr21:46,145,928, C>T on the plus strand (G>A on the coding strand, the complement: FTCD is on the minus strand). VCF-style: chr21-46145928-C-T. GRCh37 (hg19) VCF-style: chr21-47565842-C-T.
Other names: c.988G>A, p.Gly330Arg (NM_001320412.2, NM_006657.3); short protein forms G330R.
Identifiers: ClinVar variation 1407718 (VCV001407718.7), dbSNP rs774835292, ClinGen allele CA10073627.